The following is an entry in ClinVar:

ClinVar aggregate classification (germline): Uncertain significance. Review status: criteria provided, multiple submitters, no conflicts (2 of 4 stars). 2 submissions from 2 submitters: Uncertain significance (2). Last evaluated 2026-04-14.

Conditions:
Mitochondrial disease. Also called: Mitochondrial disorders; Mitochondrial disorder. Identifiers: Orphanet 68380, MedGen C0751651, MeSH D028361, MONDO:0044970.

gnomAD v4.1: 6 of 1,613,896 alleles (0.00037%); highest among the groups gnomAD compares: East Asian, 0.0089%; no homozygotes.

Submissions (2):

Women's Health and Genetics/Laboratory Corporation of America, LabCorp
Classification: Uncertain significance. Last evaluated: 2026-04-14. Review status: criteria provided, single submitter. Criteria: LabCorp Variant Classification Summary - May 2015. Collection method: clinical testing. Allele origin: germline.

Genomenon, Inc
Classification: Uncertain significance for Mitochondrial disease. Last evaluated: 2025-11-24. Review status: criteria provided, single submitter. Criteria: Genomenon Sequence Variant Interpretation Standards - Updated. Collection method: curation. Allele origin: germline. Affected: yes.
Comment: TK2 p.Ile212Val (c.634A>G) is a missense variant that changes the amino acid at residue 212 from Isoleucine to Valine. This variant has been observed in a proband affected with mitochondrial disease in the compound heterozygous state (29602790). This variant is not present at a significant frequency in gnomAD. In conclusion, we classify TK2 p.Ile212Val (c.634A>G) as a variant of uncertain significance.

Literature cited by the submitters: PubMed 29602790 (cited by Genomenon, Inc).

NM_004614.5(TK2):c.634A>G (p.Ile212Val)

Gene: TK2 (thymidine kinase 2; minus strand). Cytogenetic location: 16q21.
Variant type: single nucleotide variant.
Coding change: c.634A>G on transcript NM_004614.5 (MANE Select); coding-DNA position 634, A replaced by G.
Protein change: p.Ile212Val; replaces isoleucine 212 with valine.
Molecular consequence: missense variant. On other transcripts: synonymous variant (1), non-coding transcript variant (1).
Genome position (GRCh38, 1-based): chr16:66,513,796, T>C on the plus strand (A>G on the coding strand, the complement: TK2 is on the minus strand). VCF-style: chr16-66513796-T-C. GRCh37 (hg19) VCF-style: chr16-66547699-T-C.
Other names: c.541A>G, p.Ile181Val (NM_001172643.1); c.559A>G, p.Ile187Val (NM_001172644.2); c.580A>G, p.Ile194Val (NM_001172645.2); c.487A>G, p.Ile163Val (NM_001271934.2); c.372A>G, p.Gln124= (NM_001271935.1); c.343A>G, p.Ile115Val (NM_001272050.2); short protein forms I115V, I163V, I181V, I187V, I194V, I212V.
Identifiers: ClinVar variation 3778847 (VCV003778847.3).